The following is an entry in ClinVar:

ClinVar aggregate classification (germline): Likely pathogenic (1 of 4 stars; one submission).

Conditions:
Early-infantile DEE. Also called: Early infantile epileptic encephalopathy; Ohtahara syndrome; Early infantile epileptic encephalopathy with suppression bursts. Identifiers: Orphanet 1934, MedGen C0393706, MONDO:0800491.

Submission:

Labcorp Genetics (formerly Invitae), Labcorp
Classification: Likely pathogenic for Early-infantile DEE. Last evaluated: 2022-03-13. Review status: criteria provided, single submitter. Criteria: Invitae Variant Classification Sherloc (09022015). Collection method: clinical testing. Allele origin: germline.
Comment: Advanced modeling of protein sequence and biophysical properties (such as structural, functional, and spatial information, amino acid conservation, physicochemical variation, residue mobility, and thermodynamic stability) performed at Invitae indicates that this missense variant is expected to disrupt SCN1A protein function. In summary, the currently available evidence indicates that the variant is pathogenic, but additional data are needed to prove that conclusively. Therefore, this variant has been classified as Likely Pathogenic. This variant disrupts the p.Glu954 amino acid residue in SCN1A. Other variant(s) that disrupt this residue have been determined to be pathogenic (PMID: 20110217, 21248271). This suggests that this residue is clinically significant, and that variants that disrupt this residue are likely to be disease-causing. ClinVar contains an entry for this variant (Variation ID: 662140). This variant has not been reported in the literature in individuals affected with SCN1A-related conditions. This variant is not present in population databases (gnomAD no frequency). This sequence change replaces glutamic acid, which is acidic and polar, with glutamine, which is neutral and polar, at codon 954 of the SCN1A protein (p.Glu954Gln).

Literature cited by the submitters: PubMed 20110217; PubMed 21248271.

NM_001165963.4(SCN1A):c.2860G>C (p.Glu954Gln)

Gene: SCN1A (sodium voltage-gated channel alpha subunit 1; minus strand). Cytogenetic location: 2q24.3.
Variant type: single nucleotide variant.
Coding change: c.2860G>C on transcript NM_001165963.4 (MANE Select); coding-DNA position 2860, G replaced by C.
Protein change: p.Glu954Gln; replaces glutamic acid 954 with glutamine.
Molecular consequence: missense variant. On other transcripts: non-coding transcript variant (1).
Genome position (GRCh38, 1-based): chr2:166,037,862, C>G on the plus strand (G>C on the coding strand, the complement: SCN1A is on the minus strand). VCF-style: chr2-166037862-C-G. GRCh37 (hg19) VCF-style: chr2-166894372-C-G.
Other names: c.2776G>C, p.Glu926Gln (NM_001165964.3, NM_001353957.2, NM_001353958.2); c.2860G>C, p.Glu954Gln (NM_001202435.3, NM_001353948.2); c.2827G>C, p.Glu943Gln (NM_001353949.2, NM_001353950.2, NM_001353951.2 and 2 more transcripts); c.2824G>C, p.Glu942Gln (NM_001353954.2, NM_001353955.2); c.2773G>C, p.Glu925Gln (NM_001353960.2); c.418G>C, p.Glu140Gln (NM_001353961.2); short protein forms E943Q, E926Q, E140Q, E925Q, E942Q, E954Q.
Identifiers: ClinVar variation 662140 (VCV000662140.9), dbSNP rs121918786, ClinGen allele CA349061123.